The following is an entry in ClinVar:

NM_001916.5(CYC1):c.960A>C (p.Ala320=)

Gene: CYC1 (cytochrome c1; plus strand). Cytogenetic location: 8q24.3.
Variant type: single nucleotide variant.
Coding change: c.960A>C on transcript NM_001916.5 (MANE Select); coding-DNA position 960, A replaced by C.
Protein change: p.Ala320=; no amino-acid change (alanine 320 retained).
Molecular consequence: synonymous variant.
Genome position (GRCh38, 1-based): chr8:144,097,318, A>C. VCF-style: chr8-144097318-A-C. GRCh37 (hg19) VCF-style: chr8-145152221-A-C.
Identifiers: ClinVar variation 381403 (VCV000381403.45), dbSNP rs35387134, ClinGen allele CA4933604.

ClinVar aggregate classification (germline): Benign. Review status: criteria provided, multiple submitters, no conflicts (2 of 4 stars). 6 submissions from 6 submitters: Benign (4). 2 of the submissions do not count toward it. Last evaluated 2026-09-01.

Conditions:
CYC1-related disorder. Also called: CYC1-related condition.

Allele frequency attached by ClinVar (database versions not stated): 1000 Genomes Project 0.00280; 1000 Genomes Project 30x 0.00281; TOPMed 0.00626; gnomAD 0.00661 and 0.00671; gnomAD exomes 0.00698; ExAC 0.00713; ESP Exome Variant Server 0.00853.

Submissions (6):

CeGaT Center for Human Genetics Tuebingen
Classification: Benign. Last evaluated: 2026-09-01. Review status: criteria provided, single submitter. Criteria: CeGaT Center For Human Genetics Tuebingen Variant Classification Criteria Version 2. Collection method: clinical testing. Allele origin: germline. Affected: yes. Observed: 16 variant alleles.
Comment: CYC1: BP4, BP7, BS1, BS2

Labcorp Genetics (formerly Invitae), Labcorp
Classification: Benign. Last evaluated: 2026-01-27. Review status: criteria provided, single submitter. Criteria: Invitae Variant Classification Sherloc (09022015). Collection method: clinical testing. Allele origin: germline.

GeneDx
Classification: Benign. Last evaluated: 2016-02-16. Review status: criteria provided, single submitter. Criteria: GeneDx Variant Classification (06012015). Collection method: clinical testing. Allele origin: germline. Affected: yes.
Comment: This variant is considered likely benign or benign based on one or more of the following criteria: it is a conservative change, it occurs at a poorly conserved position in the protein, it is predicted to be benign by multiple in silico algorithms, and/or has population frequency not consistent with disease.

Breakthrough Genomics
Classification: Benign. Review status: criteria provided, single submitter. Criteria: ACMG Guidelines, 2015. Collection method: not provided. Allele origin: germline. Inheritance: Autosomal recessive inheritance. Affected: yes.

PreventionGenetics, part of Exact Sciences
Classification: Benign for CYC1-related condition. Last evaluated: 2019-03-28. Review status: no assertion criteria provided. Collection method: clinical testing. Allele origin: germline. Not counted in ClinVar's aggregate classification.
Comment: This variant is classified as benign based on ACMG/AMP sequence variant interpretation guidelines (Richards et al. 2015 PMID: 25741868, with internal and published modifications).

Mayo Clinic Laboratories, Mayo Clinic
Classification: Likely benign. Last evaluated: 2016-03-09. Review status: no assertion criteria provided. Collection method: clinical testing. Allele origin: unknown. Not counted in ClinVar's aggregate classification.